The following is an entry in ClinVar:

ClinVar aggregate classification (germline): Benign/Likely benign. Review status: criteria provided, multiple submitters, no conflicts (2 of 4 stars). 3 submissions from 3 submitters: Benign (1); Likely benign (1). 1 of the submissions does not count toward it. Last evaluated 2025-10-09.

Conditions:
CAMTA1-related disorder. Also called: CAMTA1-related condition.

Allele frequency attached by ClinVar (database versions not stated): gnomAD 0.00013 and 0.00017; gnomAD exomes 0.00014 and 0.00039; TOPMed 0.00018; ExAC 0.00031; 1000 Genomes Project 30x 0.00109; 1000 Genomes Project 0.00120.
gnomAD v4.1: 261 of 1,608,382 alleles (0.016%); highest among the groups gnomAD compares: East Asian, 0.48%; no homozygotes.

Submissions (3):

Labcorp Genetics (formerly Invitae), Labcorp
Classification: Benign. Last evaluated: 2025-10-09. Review status: criteria provided, single submitter. Criteria: Invitae Variant Classification Sherloc (09022015). Collection method: clinical testing. Allele origin: germline.

Blueprint Genetics
Classification: Likely benign. Last evaluated: 2024-07-24. Review status: criteria provided, single submitter. Criteria: ACMG Guidelines, 2015. Collection method: clinical testing. Allele origin: germline.

PreventionGenetics, part of Exact Sciences
Classification: Likely benign for CAMTA1-related condition. Last evaluated: 2019-02-25. Review status: no assertion criteria provided. Collection method: clinical testing. Allele origin: germline. Not counted in ClinVar's aggregate classification.
Comment: This variant is classified as likely benign based on ACMG/AMP sequence variant interpretation guidelines (Richards et al. 2015 PMID: 25741868, with internal and published modifications).

NM_015215.4(CAMTA1):c.2190C>T (p.Ala730=)

Gene: CAMTA1 (calmodulin binding transcription activator 1; plus strand). Cytogenetic location: 1p36.23.
Variant type: single nucleotide variant.
Coding change: c.2190C>T on transcript NM_015215.4 (MANE Select); coding-DNA position 2190, C replaced by T.
Protein change: p.Ala730=; no amino-acid change (alanine 730 retained).
Molecular consequence: synonymous variant.
Genome position (GRCh38, 1-based): chr1:7,664,737, C>T. VCF-style: chr1-7664737-C-T. GRCh37 (hg19) VCF-style: chr1-7724797-C-T.
Other names: c.2100C>T, p.Ala700= (NM_001349608.2, NM_001349612.2); c.2190C>T, p.Ala730= (NM_001349609.2, NM_001349610.2).
Identifiers: ClinVar variation 726912 (VCV000726912.12), dbSNP rs191079752, ClinGen allele CA566585.